The following is an entry in ClinVar:

ClinVar aggregate classification (germline): Uncertain significance (1 of 4 stars; one submission).

Conditions:
Familial thoracic aortic aneurysm and aortic dissection (TAAD). Also called: Thoracic aortic aneurysms and dissections. Identifiers: Orphanet 91387, MedGen C4707243, MONDO:0019625.

Submission:

Labcorp Genetics (formerly Invitae), Labcorp
Classification: Uncertain significance for Familial thoracic aortic aneurysm and aortic dissection. Last evaluated: 2022-02-20. Review status: criteria provided, single submitter. Criteria: Invitae Variant Classification Sherloc (09022015). Collection method: clinical testing. Allele origin: germline.
Comment: This sequence change replaces methionine, which is neutral and non-polar, with valine, which is neutral and non-polar, at codon 373 of the TGFBR2 protein (p.Met373Val). In summary, the available evidence is currently insufficient to determine the role of this variant in disease. Therefore, it has been classified as a Variant of Uncertain Significance. Advanced modeling of protein sequence and biophysical properties (such as structural, functional, and spatial information, amino acid conservation, physicochemical variation, residue mobility, and thermodynamic stability) performed at Invitae indicates that this missense variant is not expected to disrupt TGFBR2 protein function. This variant has not been reported in the literature in individuals affected with TGFBR2-related conditions. This variant is not present in population databases (gnomAD no frequency).

NM_003242.6(TGFBR2):c.1117A>G (p.Met373Val)

Gene: TGFBR2 (transforming growth factor beta receptor 2; plus strand). Cytogenetic location: 3p24.1.
Variant type: single nucleotide variant.
Coding change: c.1117A>G on transcript NM_003242.6 (MANE Select); coding-DNA position 1117, A replaced by G.
Protein change: p.Met373Val; replaces methionine 373 with valine.
Molecular consequence: missense variant.
Genome position (GRCh38, 1-based): chr3:30,672,300, A>G. VCF-style: chr3-30672300-A-G. GRCh37 (hg19) VCF-style: chr3-30713792-A-G.
Other names: c.1192A>G, p.Met398Val (NM_001024847.3); c.1300A>G, p.Met434Val (NM_001407126.1); c.1225A>G, p.Met409Val (NM_001407127.1); c.1144A>G, p.Met382Val (NM_001407128.1); c.1120A>G, p.Met374Val (NM_001407129.1); c.1117A>G, p.Met373Val (NM_001407130.1); c.1012A>G, p.Met338Val (NM_001407132.1, NM_001407133.1, NM_001407134.1 and 2 more transcripts); c.832A>G, p.Met278Val (NM_001407137.1); and 1 more; short protein forms M338V, M374V, M434V, M398V, M409V, M278V, M373V, M253V.
Identifiers: ClinVar variation 2100101 (VCV002100101.4), dbSNP rs2125436308, ClinGen allele CA351808574.